The following is an entry in ClinVar:

NM_000057.4(BLM):c.473A>G (p.Asp158Gly)

Gene: BLM (BLM RecQ like helicase; plus strand). Cytogenetic location: 15q26.1.
Variant type: single nucleotide variant.
Coding change: c.473A>G on transcript NM_000057.4 (MANE Select); coding-DNA position 473, A replaced by G.
Protein change: p.Asp158Gly; replaces aspartic acid 158 with glycine.
Molecular consequence: missense variant. On other transcripts: 5 prime UTR variant (1).
Genome position (GRCh38, 1-based): chr15:90,749,741, A>G. VCF-style: chr15-90749741-A-G. GRCh37 (hg19) VCF-style: chr15-91292971-A-G.
Other names: c.473A>G, p.Asp158Gly (NM_001287246.2, NM_001287247.2); c.-819A>G (NM_001287248.2); short protein forms D158G.
Identifiers: ClinVar variation 2566842 (VCV002566842.3), dbSNP rs2505392699, ClinGen allele CA393840864.

ClinVar aggregate classification (germline): Uncertain significance (1 of 4 stars; one submission).

Conditions:
Hereditary cancer-predisposing syndrome. Also called: Hereditary neoplastic syndrome; Hereditary Cancer Syndrome; Neoplastic Syndromes, Hereditary; Tumor predisposition. Identifiers: Orphanet 140162, MedGen C0027672, MeSH D009386, MONDO:0015356.

Allele frequency attached by ClinVar (database versions not stated): gnomAD exomes below 0.00001.
gnomAD v4.1: 1 of 1,614,178 alleles (0.000062%); highest among the groups gnomAD compares: Non-Finnish European, 0.000085%; no homozygotes.

Submission:

Ambry Genetics
Classification: Uncertain significance for Hereditary cancer-predisposing syndrome. Last evaluated: 2025-06-06. Review status: criteria provided, single submitter. Criteria: Ambry Variant Classification Scheme 2023. Collection method: clinical testing. Allele origin: germline.
Comment: The p.D158G variant (also known as c.473A>G), located in coding exon 2 of the BLM gene, results from an A to G substitution at nucleotide position 473. The aspartic acid at codon 158 is replaced by glycine, an amino acid with similar properties. This amino acid position is conserved. In addition, the in silico prediction for this alteration is inconclusive. Since supporting evidence is limited at this time, the clinical significance of this alteration remains unclear.